The following is an entry in ClinVar:

NM_000059.4(BRCA2):c.8956_8962del (p.Ile2986fs)

Gene: BRCA2 (BRCA2 DNA repair associated; plus strand). Cytogenetic location: 13q13.1.
Variant type: Deletion.
Coding change: c.8956_8962del on transcript NM_000059.4 (MANE Select); coding-DNA positions 8956 to 8962, 7 bases deleted (ATACTGA; older notation c.8956_8962delATACTGA).
Protein change: p.Ile2986fs; shifts the reading frame from isoleucine 2986.
Molecular consequence: frameshift variant. On other transcripts: non-coding transcript variant (1), intron variant (1).
Genome position (GRCh38, 1-based): chr13:32,379,752-32,379,758, ATACTGA deleted. VCF-style (leftmost placement, unchanged base first): chr13-32379751-TATACTGA-T. GRCh37 (hg19) VCF-style: chr13-32953888-TATACTGA-T.
Other names: c.8860_8866del, p.Ile2954fs (NM_001406719.1); c.4024_4030del, p.Ile1342fs (NM_001406721.1); c.2539_2545del, p.Ile847fs (NM_001406722.1); c.8956_8962del, p.Ile2986fs (NM_001432077.1); c.8954-49_8954-43del (NM_001406720.1); short protein forms I2986fs, I2954fs, I1342fs, I847fs.
Identifiers: ClinVar variation 3482087 (VCV003482087.1).
Genomic context (GRCh38, chr13:32,379,751, plus strand): 5'-CAAACATTTAAATGATAATCACTTCTTCCATTGCATCTTTCTCATCTTTCTCCAAACAGT[TATACTGA>T]GTATTTGGCGTCCATCATCAGATTTATATTCTCTGTTAACAGAAGGAAAGAGATACAGAA-3'

ClinVar aggregate classification (germline): Pathogenic (1 of 4 stars; one submission).

Conditions:
Hereditary cancer-predisposing syndrome. Also called: Tumor predisposition; Neoplastic Syndromes, Hereditary; Hereditary Cancer Syndrome; Hereditary neoplastic syndrome. Identifiers: Orphanet 140162, MedGen C0027672, MeSH D009386, MONDO:0015356.

Submission:

Ambry Genetics
Classification: Pathogenic for Hereditary cancer-predisposing syndrome. Last evaluated: 2024-09-12. Review status: criteria provided, single submitter. Criteria: Ambry Variant Classification Scheme 2023. Collection method: clinical testing. Allele origin: germline.
Comment: The c.8956_8962delATACTGA pathogenic mutation, located in coding exon 22 of the BRCA2 gene, results from a deletion of 7 nucleotides at nucleotide positions 8956 to 8962, causing a translational frameshift with a predicted alternate stop codon (p.I2986Vfs*13). This variant is considered to be rare based on population cohorts in the Genome Aggregation Database (gnomAD). This alteration is expected to result in loss of function by premature protein truncation or nonsense-mediated mRNA decay. As such, this alteration is interpreted as a disease-causing mutation.